The following is an entry in ClinVar:

ClinVar aggregate classification (germline): Benign/Likely benign. Review status: criteria provided, multiple submitters, no conflicts (2 of 4 stars). 3 submissions from 3 submitters: Benign (1); Likely benign (2). Last evaluated 2025-01-24.

Conditions:
Hereditary cancer-predisposing syndrome. Also called: Hereditary Cancer Syndrome; Hereditary neoplastic syndrome; Tumor predisposition; Neoplastic Syndromes, Hereditary. Identifiers: Orphanet 140162, MedGen C0027672, MeSH D009386, MONDO:0015356.
Familial cancer of breast. Also called: hereditary breast carcinoma; BREAST CANCER, FAMILIAL; Hereditary breast cancer. Identifiers: Orphanet 227535, MedGen C0346153, MONDO:0016419, OMIM 114480. Disease mechanism: loss of function.

Submissions (3):

Labcorp Genetics (formerly Invitae), Labcorp
Classification: Likely benign for Familial cancer of breast. Last evaluated: 2025-01-24. Review status: criteria provided, single submitter. Criteria: Invitae Variant Classification Sherloc (09022015). Collection method: clinical testing. Allele origin: germline.

Myriad Genetics, Inc.
Classification: Benign for Familial cancer of breast. Last evaluated: 2025-01-21. Review status: criteria provided, single submitter. Criteria: Myriad Autosomal Dominant, Autosomal Recessive and X-Linked Classification Criteria (2023). Collection method: clinical testing. Allele origin: unknown.
Comment: This variant is considered benign. This variant is a silent/synonymous amino acid change and it is not expected to impact splicing.

Ambry Genetics
Classification: Likely benign for Hereditary cancer-predisposing syndrome. Last evaluated: 2021-08-23. Review status: criteria provided, single submitter. Criteria: Ambry Variant Classification Scheme 2023. Collection method: clinical testing. Allele origin: germline.

NM_024675.4(PALB2):c.2926A>C (p.Arg976=)

Gene: PALB2 (partner and localizer of BRCA2; minus strand). Cytogenetic location: 16p12.2.
Variant type: single nucleotide variant.
Coding change: c.2926A>C on transcript NM_024675.4 (MANE Select); coding-DNA position 2926, A replaced by C.
Protein change: p.Arg976=; no amino-acid change (arginine 976 retained).
Molecular consequence: synonymous variant.
Genome position (GRCh38, 1-based): chr16:23,623,039, T>G on the plus strand (A>C on the coding strand, the complement: PALB2 is on the minus strand). VCF-style: chr16-23623039-T-G. GRCh37 (hg19) VCF-style: chr16-23634360-T-G.
Identifiers: ClinVar variation 1078684 (VCV001078684.13), dbSNP rs2142335890, ClinGen allele CA494180433.
Genomic context (GRCh38, chr16:23,623,039, plus strand): 5'-CTGCAAACGTCATGACTTCTACTTGTTGATCAGAAAGGGTCCCACTGCTACTAACTAGCC[T>G]CCTCTTTGTCAGGCCAAGCACAGCTTTTATATTTCCAGACTTCAGTAGTACTTGCTTTTC-3'
Protein context (NP_078951.2, residues 966-986): IKAVLGLTKR[Arg976=]LVSSSGTLSD